The following is an entry in ClinVar:

NM_001123385.2(BCOR):c.4648C>T (p.Leu1550Phe)

Gene: BCOR (BCL6 corepressor; minus strand). Cytogenetic location: Xp11.4.
Variant type: single nucleotide variant.
Coding change: c.4648C>T on transcript NM_001123385.2 (MANE Select); coding-DNA position 4648, C replaced by T.
Protein change: p.Leu1550Phe; replaces leucine 1550 with phenylalanine.
Molecular consequence: missense variant.
Genome position (GRCh38, 1-based): chrX:40,055,461, G>A on the plus strand (C>T on the coding strand, the complement: BCOR is on the minus strand). VCF-style: chrX-40055461-G-A. GRCh37 (hg19) VCF-style: chrX-39914714-G-A.
Other names: c.4546C>T, p.Leu1516Phe (NM_001123383.2, NM_017745.6); c.4492C>T, p.Leu1498Phe (NM_001123384.2); short protein forms L1498F, L1516F, L1550F.
Identifiers: ClinVar variation 3369454 (VCV003369454.1).

ClinVar aggregate classification (germline): Uncertain significance (1 of 4 stars; one submission).

Submission:

GeneDx
Classification: Uncertain significance. Last evaluated: 2024-03-07. Review status: criteria provided, single submitter. Criteria: GeneDx Variant Classification Process June 2021. Collection method: clinical testing. Allele origin: germline. Affected: yes.
Comment: Not observed at significant frequency in large population cohorts (gnomAD); In silico analysis supports that this missense variant has a deleterious effect on protein structure/function; Has not been previously published as pathogenic or benign to our knowledge